The following is an entry in ClinVar:

ClinVar aggregate classification (germline): Uncertain significance (1 of 4 stars; one submission).

Conditions:
Ehlers-Danlos syndrome, classic type, 1 (EDSCL1). Also called: EHLERS-DANLOS SYNDROME, GRAVIS TYPE; EHLERS-DANLOS SYNDROME, SEVERE CLASSIC TYPE; Ehlers-Danlos syndrome, type 1; Ehlers-Danlos Syndrome, Classic Type, COL5A1-Related; EDS I. Identifiers: MedGen C0268335, MONDO:0019567, OMIM 130000.

gnomAD v4.1: 2 of 1,613,706 alleles (0.00012%); highest among the groups gnomAD compares: Non-Finnish European, 0.00017%; no homozygotes.

Submission:

Labcorp Genetics (formerly Invitae), Labcorp
Classification: Uncertain significance for Ehlers-Danlos syndrome, classic type, 1. Last evaluated: 2024-11-08. Review status: criteria provided, single submitter. Criteria: Invitae Variant Classification Sherloc (09022015). Collection method: clinical testing. Allele origin: germline.
Comment: This sequence change replaces proline, which is neutral and non-polar, with arginine, which is basic and polar, at codon 590 of the COL5A1 protein (p.Pro590Arg). This variant is present in population databases (rs764683570, gnomAD 0.0009%). This variant has not been reported in the literature in individuals affected with COL5A1-related conditions. Invitae Evidence Modeling of protein sequence and biophysical properties (such as structural, functional, and spatial information, amino acid conservation, physicochemical variation, residue mobility, and thermodynamic stability) has been performed for this missense variant. However, the output from this modeling did not meet the statistical confidence thresholds required to predict the impact of this variant on COL5A1 protein function. In summary, the available evidence is currently insufficient to determine the role of this variant in disease. Therefore, it has been classified as a Variant of Uncertain Significance.

NM_000093.5(COL5A1):c.1769C>G (p.Pro590Arg)

Gene: COL5A1 (collagen type V alpha 1 chain; plus strand). Cytogenetic location: 9q34.3.
Variant type: single nucleotide variant.
Coding change: c.1769C>G on transcript NM_000093.5 (MANE Select); coding-DNA position 1769, C replaced by G.
Protein change: p.Pro590Arg; replaces proline 590 with arginine.
Molecular consequence: missense variant.
Genome position (GRCh38, 1-based): chr9:134,753,899, C>G. VCF-style: chr9-134753899-C-G. GRCh37 (hg19) VCF-style: chr9-137645745-C-G.
Other names: c.1769C>G, p.Pro590Arg (NM_001278074.1); short protein forms P590R.
Identifiers: ClinVar variation 3668001 (VCV003668001.1).
Genomic context (GRCh38, chr9:134,753,899, plus strand): 5'-TGTCTCCCTAGGGTCCCCCTGGGAGCGGAGGTTTGAAGGGCGAGCCGGGAGACGTGGGGC[C>G]TCAGGTATGTGGGATCCTTGCCTTCGCTGTCTGGTGGGCGCCTCCCGTTCTCCGGCGGCA-3'
Protein context (NP_000084.3, residues 580-600): GLKGEPGDVG[Pro590Arg]QGPRGVQGPP